The following is an entry in ClinVar:

ClinVar aggregate classification (germline): Pathogenic (1 of 4 stars; one submission).

Conditions:
KBG syndrome (KBGS). Also called: ANKRD11-Related KBG Syndrome. Identifiers: Orphanet 2332, MedGen C0220687, MONDO:0007846, OMIM 148050.

Submission:

ARUP Laboratories, Molecular Genetics and Genomics, ARUP Laboratories
Classification: Pathogenic for KBG syndrome. Review status: criteria provided, single submitter. Criteria: ARUP Molecular Germline Variant Investigation Process 2024. Collection method: clinical testing. Allele origin: germline.
Comment: The ANKRD11 c.605G>A; p.Trp202Ter variant is reported in the literature in an individual affected with autism (Wright 2024). This variant is absent from the Genome Aggregation Database (v2.1.1), indicating it is not a common polymorphism. This variant induces an early termination codon and is predicted to result in a truncated protein or mRNA subject to nonsense-mediated decay. Based on the available information, this variant is considered to be pathogenic. References: Wright JR et al. Return of genetic research results in 21,532 individuals with autism. Genet Med. 2024 Oct;26(10):101202. PMID: 38958063.

NM_013275.6(ANKRD11):c.605G>A (p.Trp202Ter)

Gene: ANKRD11 (ankyrin repeat domain 11; minus strand). Cytogenetic location: 16q24.3.
Variant type: single nucleotide variant.
Coding change: c.605G>A on transcript NM_013275.6 (MANE Select); coding-DNA position 605, G replaced by A.
Protein change: p.Trp202Ter; replaces tryptophan 202 with a stop codon.
Molecular consequence: nonsense. On other transcripts: non-coding transcript variant (1).
Genome position (GRCh38, 1-based): chr16:89,288,667, C>T on the plus strand (G>A on the coding strand, the complement: ANKRD11 is on the minus strand). VCF-style: chr16-89288667-C-T. GRCh37 (hg19) VCF-style: chr16-89355075-C-T.
Other names: c.605G>A, p.Trp202Ter (NM_001256182.2, NM_001256183.2); short protein forms W202*.
Identifiers: ClinVar variation 4686050 (VCV004686050.1).